The following is an entry in ClinVar:

ClinVar aggregate classification (germline): Uncertain significance (1 of 4 stars; one submission).

Submission:

GeneDx
Classification: Uncertain significance. Last evaluated: 2026-06-07. Review status: criteria provided, single submitter. Criteria: GeneDx Variant Classification Process June 2021. Collection method: clinical testing. Allele origin: germline.
Comment: Not observed at significant frequency in large population cohorts (gnomAD); In-frame deletion of 3 amino acid(s) and insertion of 1 different amino acid(s) in a non-repeat region; In silico analysis suggests that this variant does not alter protein structure/function; Has not been previously published as pathogenic or benign to our knowledge

NM_001367479.1(DNAH14):c.10578_10583del (p.Leu3526_Asp3528delinsPhe)

Gene: DNAH14 (dynein axonemal heavy chain 14; plus strand). Cytogenetic location: 1q42.12.
Variant type: Deletion.
Coding change: c.10578_10583del on transcript NM_001367479.1 (MANE Select); coding-DNA positions 10578 to 10583, 6 bases deleted (AGAAGA; older notation c.10578_10583delAGAAGA).
Protein change: p.Leu3526_Asp3528delinsPhe.
Molecular consequence: inframe indel.
Genome position (GRCh38, 1-based): chr1:225,340,601-225,340,606, AGAAGA deleted. VCF-style (leftmost placement, unchanged base first): chr1-225340600-TAGAAGA-T. GRCh37 (hg19) VCF-style: chr1-225528302-TAGAAGA-T.
Other names: NM_001373.1:c.10299_10304del.
Identifiers: ClinVar variation 3769927 (VCV003769927.2).